The following is an entry in ClinVar:

ClinVar aggregate classification (germline): Conflicting classifications of pathogenicity. Review status: criteria provided, conflicting classifications (1 of 4 stars). 4 submissions from 4 submitters: Uncertain significance (3); Likely benign (1). Last evaluated 2025-06-01.

Conditions:
Sensory ataxic neuropathy, dysarthria, and ophthalmoparesis (SANDO). Also called: SENSORY ATAXIC NEUROPATHY WITH MITOCHONDRIAL DNA DELETIONS, AUTOSOMAL RECESSIVE; Sensory ataxic neuropathy-dysarthria-ophthalmoparesis syndrome; Epilepsy, progressive myoclonic, type 5; Ataxia Neuropathy Spectrum (ANS). Identifiers: Orphanet 70595, MedGen C1843851, MONDO:0011835, OMIM 607459.
Mitochondrial DNA depletion syndrome 1. Also called: MITOCHONDRIAL NEUROGASTROINTESTINAL ENCEPHALOPATHY SYNDROME, TYMP-RELATED; MNGIE, TYMP-RELATED; Mitochondrial Neurogastrointestinal Encephalopathy Disease; Mitochondrial DNA depletion syndrome 1 (MNGIE type); Mitochondrial DNA Depletion Syndrome, MNGIE Form; Mitochondrial neurogastrointestinal encephalomyopathy syndrome. Identifiers: Orphanet 298, MedGen C4551995, MONDO:0011283, OMIM 603041.
Progressive sclerosing poliodystrophy (MTDPS4A). Also called: Alpers-Huttenlocher Syndrome; Mitochondrial DNA Depletion Syndrome 4A; ALPERS PROGRESSIVE INFANTILE POLIODYSTROPHY; ALPERS DIFFUSE DEGENERATION OF CEREBRAL GRAY MATTER WITH HEPATIC CIRRHOSIS; Alpers Syndrome; Alpers-Huttenlocher Syndrome (AHS). Identifiers: Orphanet 726, MedGen C0205710, MONDO:0008758, OMIM 203700.
Mitochondrial DNA depletion syndrome 4b. Also called: MNGIE, POLG-RELATED; Mitochondrial Neurogastrointestinal Encephalopathy Disease, POLG-Related. Identifiers: Orphanet 298, MedGen C3150914, MONDO:0013350, OMIM 613662.
Progressive external ophthalmoplegia with mitochondrial DNA deletions, autosomal dominant 1 (PEOA1). Also called: PROGRESSIVE EXTERNAL OPHTHALMOPLEGIA, AUTOSOMAL DOMINANT 1; Autosomal Dominant Progressive External Ophthalmoplegia (adPEO). Identifiers: MedGen C1834846, MONDO:0024528, OMIM 157640.
Progressive external ophthalmoplegia with mitochondrial DNA deletions, autosomal recessive 1 (PEOB1). Also called: Autosomal Recessive Progressive External Ophthalmoplegia (arPEO); Progressive external ophthalmoplegia, autosomal recessive 1. Identifiers: Orphanet 254886, MedGen C4225153, MONDO:0009783, OMIM 258450.

Allele frequency attached by ClinVar (database versions not stated): gnomAD exomes 0.00001 and 0.00006; TOPMed 0.00003; ExAC 0.00006.
gnomAD v4.1: 16 of 1,604,396 alleles (0.001%); highest among the groups gnomAD compares: East Asian, 0.036%; no homozygotes.

Submissions (4):

Labcorp Genetics (formerly Invitae), Labcorp
Classification: Likely benign for Progressive sclerosing poliodystrophy. Last evaluated: 2025-06-01. Review status: criteria provided, single submitter. Criteria: Invitae Variant Classification Sherloc (09022015). Collection method: clinical testing. Allele origin: germline.

Blueprint Genetics
Classification: Uncertain significance. Last evaluated: 2024-02-13. Review status: criteria provided, single submitter. Criteria: ACMG Guidelines, 2015. Collection method: clinical testing. Allele origin: germline.

Fulgent Genetics
Classification: Uncertain significance for Progressive external ophthalmoplegia with mitochondrial DNA deletions, autosomal dominant 1; Progressive sclerosing poliodystrophy; Progressive external ophthalmoplegia with mitochondrial DNA deletions, autosomal recessive 1; Mitochondrial DNA depletion syndrome 1; Sensory ataxic neuropathy, dysarthria, and ophthalmoparesis; Mitochondrial DNA depletion syndrome 4b. Last evaluated: 2021-10-21. Review status: criteria provided, single submitter. Criteria: ACMG Guidelines, 2015. Collection method: clinical testing. Allele origin: unknown.

GeneDx
Classification: Uncertain significance. Last evaluated: 2014-10-24. Review status: criteria provided, single submitter. Criteria: GeneDx Variant Classification (06012015). Collection method: clinical testing. Allele origin: germline. Affected: yes.
Comment: p.Pro116Ser (CCA>TCA): c.346 C>T in exon 2 of the POLG gene (NM_002693.2). The P116S variant has not been published as a mutation, nor has it been reported as a benign polymorphism to our knowledge. It was not observed in approximately 6,500 individuals of European and African American ancestry in the NHLBI Exome Sequencing Project, indicating it is not a common benign variant in these populations. The P116S variant is a non-conservative amino acid substitution, which is likely to impact secondary protein structure as these residues differ in polarity, charge, size and/or other properties. However, this substitution occurs at a position that is conserved in mammals but is not conserved in more distantly related species. Additionally, in silico analysis is inconsistent in its predictions as to whether or not the variant is damaging to the protein structure/function. Therefore, based on the currently available information, it is unclear whether this variant is a pathogenic mutation or a rare benign variant. The variant is found in EPILEPSY panel(s).

NM_002693.3(POLG):c.346C>T (p.Pro116Ser)

Genes: POLG (DNA polymerase gamma, catalytic subunit; minus strand), POLGARF (POLG alternative reading frame; minus strand). Cytogenetic location: 15q26.1.
Variant type: single nucleotide variant.
Coding change: c.346C>T on transcript NM_002693.3 (MANE Select); coding-DNA position 346, C replaced by T.
Protein change: p.Pro116Ser; replaces proline 116 with serine.
Molecular consequence: missense variant.
Genome position (GRCh38, 1-based): chr15:89,333,409, G>A on the plus strand (C>T on the coding strand, the complement: POLG is on the minus strand). VCF-style: chr15-89333409-G-A. GRCh37 (hg19) VCF-style: chr15-89876640-G-A.
Other names: p.P116S:CCA>TCA; c.346C>T, p.Pro116Ser (NM_001126131.2); short protein forms P116S.
Identifiers: ClinVar variation 206620 (VCV000206620.9), dbSNP rs771676521, ClinGen allele CA316879.
Genomic context (GRCh38, chr15:89,333,409, plus strand): 5'-CCAGGTTGTCCCCGTAGAGGGGCGGCAGGCGCAGCTCCACGTCGGGCAAGGGCACGGCTG[G>A]CTGCCCCCAGAGCCCGTGCTTCTGCAGGTGCTCGACGCTGCGGCGCACCGCGGCCTCGCC-3'
Protein context (NP_002684.1, residues 106-126): HLQKHGLWGQ[Pro116Ser]AVPLPDVELR